The following is an entry in ClinVar:

ClinVar aggregate classification (germline): Pathogenic (1 of 4 stars; one submission).

Conditions:
Inborn genetic diseases. Identifiers: MedGen C0950123, MeSH D030342.

Submission:

Ambry Genetics
Classification: Pathogenic for Inborn genetic diseases. Last evaluated: 2026-05-04. Review status: criteria provided, single submitter. Criteria: Ambry Variant Classification Scheme 2023. Collection method: clinical testing. Allele origin: germline.
Comment: The c.148delC (p.H50Tfs*4) alteration, located in exon 1 (coding exon 1) of the ARV1 gene, consists of a deletion of one nucleotide at position 148, causing a translational frameshift with a predicted alternate stop codon after 4 amino acids. This alteration is expected to result in loss of function by premature protein truncation or nonsense-mediated mRNA decay. This variant was not reported in population-based cohorts in the Genome Aggregation Database (gnomAD). Based on the available evidence, this alteration is classified as pathogenic.

NM_022786.3(ARV1):c.148del (p.His50fs)

Genes: ARV1 (ARV1 fatty acid homeostasis modulator; plus strand), LOC129932761 (ATAC-STARR-seq lymphoblastoid active region 2721; plus strand). Cytogenetic location: 1q42.2.
Variant type: Deletion.
Coding change: c.148del on transcript NM_022786.3 (MANE Select); coding-DNA position 148, one base deleted (C; older notation c.148delC).
Protein change: p.His50fs; shifts the reading frame from histidine 50.
Molecular consequence: frameshift variant. On other transcripts: non-coding transcript variant (1).
Genome position (GRCh38, 1-based): chr1:230,979,253, C deleted; the last of 2 consecutive C bases (chr1:230,979,252-230,979,253); deleting either gives the same sequence. VCF-style (leftmost placement, unchanged base first): chr1-230979251-AC-A. GRCh37 (hg19) VCF-style: chr1-231114997-AC-A.
Other names: c.148del, p.His50fs (NM_001346992.2); short protein forms H50fs.
Identifiers: ClinVar variation 2473859 (VCV002473859.3), dbSNP rs2527584557, ClinGen allele CA1013254729.
Genomic context (GRCh38, chr1:230,979,251, plus strand): 5'-CCTGCCAGTACAGGTGCATCGAATGCAACCAGGAGGCCAAAGAGTTGTACCGAGACTATA[AC>A]CACGGTGTGCTGAAGATAACCATCTGTGTGAGTTGTCAGGTGTGGGGTGCCCTTGAGAAG-3'